The following is an entry in ClinVar:

NM_182914.3(SYNE2):c.3250G>A (p.Glu1084Lys)

Gene: SYNE2 (spectrin repeat containing nuclear envelope protein 2; plus strand). Cytogenetic location: 14q23.2.
Variant type: single nucleotide variant.
Coding change: c.3250G>A on transcript NM_182914.3 (MANE Select); coding-DNA position 3250, G replaced by A.
Protein change: p.Glu1084Lys; replaces glutamic acid 1084 with lysine.
Molecular consequence: missense variant.
Genome position (GRCh38, 1-based): chr14:63,998,225, G>A. VCF-style: chr14-63998225-G-A. GRCh37 (hg19) VCF-style: chr14-64464943-G-A.
Other names: c.3250G>A, p.Glu1084Lys (NM_015180.6); short protein forms E1084K.
Identifiers: ClinVar variation 4698873 (VCV004698873.1).

ClinVar aggregate classification (germline): Uncertain significance (1 of 4 stars; one submission).

Conditions:
Emery-Dreifuss muscular dystrophy 5, autosomal dominant (EDMD5). Also called: EMERY-DREIFUSS MUSCULAR DYSTROPHY 5. Identifiers: Orphanet 261, MedGen C2751805, MONDO:0013072, OMIM 612999.

gnomAD v4.1: 6 of 1,612,352 alleles (0.00037%); highest among the groups gnomAD compares: Admixed American, 0.0017%; no homozygotes.

Submission:

Labcorp Genetics (formerly Invitae), Labcorp
Classification: Uncertain significance for Emery-Dreifuss muscular dystrophy 5, autosomal dominant. Last evaluated: 2025-03-26. Review status: criteria provided, single submitter. Criteria: Invitae Variant Classification Sherloc (09022015). Collection method: clinical testing. Allele origin: germline.
Comment: This sequence change replaces glutamic acid, which is acidic and polar, with lysine, which is basic and polar, at codon 1084 of the SYNE2 protein (p.Glu1084Lys). This variant is present in population databases (no rsID available, gnomAD 0.0009%). This variant has not been reported in the literature in individuals affected with SYNE2-related conditions. An algorithm developed to predict the effect of missense changes on protein structure and function outputs the following: PolyPhen-2: "Benign". The lysine amino acid residue is found in multiple mammalian species, which suggests that this missense change does not adversely affect protein function. In summary, the available evidence is currently insufficient to determine the role of this variant in disease. Therefore, it has been classified as a Variant of Uncertain Significance.